The following is an entry in ClinVar:

ClinVar aggregate classification (germline): Uncertain significance (1 of 4 stars; one submission).

Submission:

GeneDx
Classification: Uncertain significance. Last evaluated: 2019-11-04. Review status: criteria provided, single submitter. Criteria: GeneDx Variant Classification Process June 2021. Collection method: clinical testing. Allele origin: germline. Affected: yes.
Comment: Not observed in large population cohorts (Lek et al., 2016); In silico analysis, which includes protein predictors and evolutionary conservation, supports that this variant does not alter protein structure/function; Has not been previously published as pathogenic or benign to our knowledge

NM_006766.5(KAT6A):c.2422G>A (p.Glu808Lys)

Gene: KAT6A (lysine acetyltransferase 6A; minus strand). Cytogenetic location: 8p11.21.
Variant type: single nucleotide variant.
Coding change: c.2422G>A on transcript NM_006766.5 (MANE Select); coding-DNA position 2422, G replaced by A.
Protein change: p.Glu808Lys; replaces glutamic acid 808 with lysine.
Molecular consequence: missense variant.
Genome position (GRCh38, 1-based): chr8:41,942,807, C>T on the plus strand (G>A on the coding strand, the complement: KAT6A is on the minus strand). VCF-style: chr8-41942807-C-T. GRCh37 (hg19) VCF-style: chr8-41800325-C-T.
Other names: c.2422G>A, p.Glu808Lys (NM_001305878.2); short protein forms E808K.
Identifiers: ClinVar variation 1309699 (VCV001309699.2), dbSNP rs2150862750, ClinGen allele CA371072496.